The following is an entry in ClinVar:

NM_017934.7(PHIP):c.4425C>G (p.Thr1475=)

Genes: IRAK1BP1 (interleukin 1 receptor associated kinase 1 binding protein 1; plus strand), PHIP (PHIP subunit of CUL4-Ring ligase complex; minus strand). Cytogenetic location: 6q14.1.
Variant type: single nucleotide variant.
Coding change: c.4425C>G on transcript NM_017934.7 (MANE Select); coding-DNA position 4425, C replaced by G.
Protein change: p.Thr1475=; no amino-acid change (threonine 1475 retained).
Molecular consequence: synonymous variant.
Genome position (GRCh38, 1-based): chr6:78,946,206, G>C on the plus strand (C>G on the coding strand, the complement: PHIP is on the minus strand). VCF-style: chr6-78946206-G-C. GRCh37 (hg19) VCF-style: chr6-79655923-G-C.
Identifiers: ClinVar variation 3357905 (VCV003357905.1).
Genomic context (GRCh38, chr6:78,946,206, plus strand): 5'-GTTTATCTGAGCAGCATTGTGTCTTGGCGGTATTGATCGTGTAGGTGTAGAGAATGCAGA[G>C]GTAGAGCTTTCTGATTTTAGCTGGGGTTTTAAGATCCTTTTTTTCCTTTCAGGGCTGTAA-3'
Protein context (NP_060404.4, residues 1465-1485): LKPQLKSESS[Thr1475=]SAFSTPTRSI

ClinVar aggregate classification (germline): Likely benign (0 of 4 stars; one submission).

Conditions:
PHIP-related disorder. Also called: PHIP-related condition; PHIP-related disorders.

Submission:

PreventionGenetics, part of Exact Sciences
Classification: Likely benign for PHIP-related condition. Last evaluated: 2021-06-18. Review status: no assertion criteria provided. Collection method: clinical testing. Allele origin: germline.
Comment: This variant is classified as likely benign based on ACMG/AMP sequence variant interpretation guidelines (Richards et al. 2015 PMID: 25741868, with internal and published modifications).